The following is an entry in ClinVar:

ClinVar aggregate classification (germline): Uncertain significance (0 of 4 stars; one submission).

Conditions:
ZNF335-related disorder. Also called: ZNF335-related condition.

Submission:

PreventionGenetics, part of Exact Sciences
Classification: Uncertain significance for ZNF335-related condition. Last evaluated: 2024-03-26. Review status: no assertion criteria provided. Collection method: clinical testing. Allele origin: germline.
Comment: The ZNF335 c.46C>T variant is predicted to result in the amino acid substitution p.Pro16Ser. To our knowledge, this variant has not been reported in the literature or in a large population database, indicating this variant is rare. At this time, the clinical significance of this variant is uncertain due to the absence of conclusive functional and genetic evidence.

NM_022095.4(ZNF335):c.46C>T (p.Pro16Ser)

Gene: ZNF335 (zinc finger protein 335; minus strand). Cytogenetic location: 20q13.12.
Variant type: single nucleotide variant.
Coding change: c.46C>T on transcript NM_022095.4 (MANE Select); coding-DNA position 46, C replaced by T.
Protein change: p.Pro16Ser; replaces proline 16 with serine.
Molecular consequence: missense variant.
Genome position (GRCh38, 1-based): chr20:45,971,365, G>A on the plus strand (C>T on the coding strand, the complement: ZNF335 is on the minus strand). VCF-style: chr20-45971365-G-A. GRCh37 (hg19) VCF-style: chr20-44600004-G-A.
Other names: short protein forms P16S.
Identifiers: ClinVar variation 3356289 (VCV003356289.1).
Genomic context (GRCh38, chr20:45,971,365, plus strand): 5'-ACACGGCTTCTGAGGTGCCCACACCCAGGCCGCTCTCAGAGGGCTCCTCGGGCCGGCCAG[G>A]CCCAGGGGCCGCGTCGCTGCTGCTCTCCACCTCGTTCTCCTCCATCTGATCGGCGGGCTG-3'
Protein context (NP_071378.1, residues 6-26): VESSSDAAPG[Pro16Ser]GRPEEPSESG